The following is an entry in ClinVar:

ClinVar aggregate classification (germline): Conflicting classifications of pathogenicity. Review status: criteria provided, conflicting classifications (1 of 4 stars). 7 submissions from 7 submitters: Likely pathogenic (2); Uncertain significance (4). 1 of the submissions does not count toward it. Last evaluated 2026-07-15.

Conditions:
Inborn genetic diseases. Identifiers: MedGen C0950123, MeSH D030342.
Acyl-CoA dehydrogenase 9 deficiency. Also called: Acyl-CoA dehydrogenase family, member 9, deficiency of; MITOCHONDRIAL COMPLEX I DEFICIENCY, NUCLEAR TYPE 20. Identifiers: Orphanet 99901, MedGen C4747517, MONDO:0012624, OMIM 611126.

Allele frequency attached by ClinVar (database versions not stated): gnomAD 0.00003 and 0.00005; gnomAD exomes 0.00004; ExAC 0.00006; ESP Exome Variant Server 0.00008; TOPMed 0.00008.

Submissions (7):

GeneDx
Classification: Likely pathogenic. Last evaluated: 2026-07-15. Review status: criteria provided, single submitter. Criteria: GeneDx Variant Classification Process June 2021. Collection method: clinical testing. Allele origin: germline.
Comment: In silico analysis supports that this missense variant has a deleterious effect on protein structure/function; Not observed at significant frequency in large population cohorts (gnomAD); Has not been previously published as pathogenic or benign to our knowledge

Ambry Genetics
Classification: Uncertain significance for Inborn genetic diseases. Last evaluated: 2025-05-23. Review status: criteria provided, single submitter. Criteria: Ambry Variant Classification Scheme 2023. Collection method: clinical testing. Allele origin: germline.

Centre of Medical Genetics, University Hospital Muenster
Classification: Likely pathogenic. Last evaluated: 2024-04-24. Review status: criteria provided, single submitter. Criteria: ACMG Guidelines, 2015. Collection method: clinical testing. Allele origin: unknown. Affected: yes. Observed: 1 variant allele, 1 homozygote.
Comment: ACMG categories: PM2,PP3,PP4

Blueprint Genetics
Classification: Uncertain significance. Last evaluated: 2023-12-14. Review status: criteria provided, single submitter. Criteria: ACMG Guidelines, 2015. Collection method: clinical testing. Allele origin: germline.

Labcorp Genetics (formerly Invitae), Labcorp
Classification: Uncertain significance. Last evaluated: 2022-05-09. Review status: criteria provided, single submitter. Criteria: Invitae Variant Classification Sherloc (09022015). Collection method: clinical testing. Allele origin: germline.
Comment: This sequence change replaces glycine, which is neutral and non-polar, with serine, which is neutral and polar, at codon 509 of the ACAD9 protein (p.Gly509Ser). This variant is present in population databases (rs141036010, gnomAD 0.008%). This variant has not been reported in the literature in individuals affected with ACAD9-related conditions. ClinVar contains an entry for this variant (Variation ID: 214009). Algorithms developed to predict the effect of missense changes on protein structure and function output the following: SIFT: "Deleterious"; PolyPhen-2: "Benign"; Align-GVGD: "Class C55". The serine amino acid residue is found in multiple mammalian species, which suggests that this missense change does not adversely affect protein function. Algorithms developed to predict the effect of sequence changes on RNA splicing suggest that this variant may create or strengthen a splice site. In summary, the available evidence is currently insufficient to determine the role of this variant in disease. Therefore, it has been classified as a Variant of Uncertain Significance.

Illumina Laboratory Services, Illumina
Classification: Uncertain significance for Acyl-CoA dehydrogenase 9 deficiency. Last evaluated: 2018-01-13. Review status: criteria provided, single submitter. Criteria: ICSL Variant Classification Criteria 13 December 2019. Collection method: clinical testing. Allele origin: germline.

Natera, Inc.
Classification: Uncertain significance for ACAD9 deficiency. Last evaluated: 2019-10-28. Review status: no assertion criteria provided. Collection method: clinical testing. Allele origin: germline. Not counted in ClinVar's aggregate classification.

NM_014049.5(ACAD9):c.1525G>A (p.Gly509Ser)

Gene: ACAD9 (acyl-CoA dehydrogenase family member 9; plus strand). Cytogenetic location: 3q21.3.
Variant type: single nucleotide variant.
Coding change: c.1525G>A on transcript NM_014049.5 (MANE Select); coding-DNA position 1525, G replaced by A.
Protein change: p.Gly509Ser; replaces glycine 509 with serine.
Molecular consequence: missense variant. On other transcripts: non-coding transcript variant (1).
Genome position (GRCh38, 1-based): chr3:128,909,383, G>A. VCF-style: chr3-128909383-G-A. GRCh37 (hg19) VCF-style: chr3-128628226-G-A.
Other names: p.G509S:GGC>AGC; short protein forms G509S.
Identifiers: ClinVar variation 214009 (VCV000214009.17), dbSNP rs141036010, ClinGen allele CA322035.